The following is an entry in ClinVar:

NM_032043.3(BRIP1):c.482T>A (p.Ile161Asn)

Gene: BRIP1 (BRCA1 interacting DNA helicase 1; minus strand). Cytogenetic location: 17q23.2.
Variant type: single nucleotide variant.
Coding change: c.482T>A on transcript NM_032043.3 (MANE Select); coding-DNA position 482, T replaced by A.
Protein change: p.Ile161Asn; replaces isoleucine 161 with asparagine.
Molecular consequence: missense variant.
Genome position (GRCh38, 1-based): chr17:61,849,154, A>T on the plus strand (T>A on the coding strand, the complement: BRIP1 is on the minus strand). VCF-style: chr17-61849154-A-T. GRCh37 (hg19) VCF-style: chr17-59926515-A-T.
Other names: short protein forms I161N.
Identifiers: ClinVar variation 3261827 (VCV003261827.1).

ClinVar aggregate classification (germline): Uncertain significance (1 of 4 stars; one submission).

Conditions:
Hereditary cancer-predisposing syndrome. Also called: Hereditary Cancer Syndrome; Tumor predisposition; Hereditary neoplastic syndrome; Neoplastic Syndromes, Hereditary. Identifiers: Orphanet 140162, MedGen C0027672, MeSH D009386, MONDO:0015356.

Submission:

Ambry Genetics
Classification: Uncertain significance for Hereditary cancer-predisposing syndrome. Last evaluated: 2024-05-26. Review status: criteria provided, single submitter. Criteria: Ambry Variant Classification Scheme 2023. Collection method: clinical testing. Allele origin: germline.
Comment: The p.I161N variant (also known as c.482T>A), located in coding exon 4 of the BRIP1 gene, results from a T to A substitution at nucleotide position 482. The isoleucine at codon 161 is replaced by asparagine, an amino acid with dissimilar properties. This amino acid position is conserved. In addition, the in silico prediction for this alteration is inconclusive. Based on the available evidence, the clinical significance of this variant remains unclear.